The following is an entry in ClinVar:

ClinVar aggregate classification (germline): Uncertain significance. Review status: criteria provided, multiple submitters, no conflicts (2 of 4 stars). 2 submissions from 2 submitters: Uncertain significance (2). Last evaluated 2024-10-26.

Conditions:
Inborn genetic diseases. Identifiers: MedGen C0950123, MeSH D030342.

Allele frequency attached by ClinVar (database versions not stated): gnomAD exomes below 0.00001.
gnomAD v4.1: 7 of 1,614,132 alleles (0.00043%); highest among the groups gnomAD compares: Non-Finnish European, 0.00059%; no homozygotes.

Submissions (2):

Ambry Genetics
Classification: Uncertain significance for Inborn genetic diseases. Last evaluated: 2024-10-26. Review status: criteria provided, single submitter. Criteria: Ambry Variant Classification Scheme 2023. Collection method: clinical testing. Allele origin: germline.

Labcorp Genetics (formerly Invitae), Labcorp
Classification: Uncertain significance. Last evaluated: 2024-03-04. Review status: criteria provided, single submitter. Criteria: Invitae Variant Classification Sherloc (09022015). Collection method: clinical testing. Allele origin: germline.
Comment: This sequence change replaces valine, which is neutral and non-polar, with methionine, which is neutral and non-polar, at codon 3319 of the SZT2 protein (p.Val3319Met). This variant is not present in population databases (gnomAD no frequency). This variant has not been reported in the literature in individuals affected with SZT2-related conditions. ClinVar contains an entry for this variant (Variation ID: 850901). Advanced modeling of protein sequence and biophysical properties (such as structural, functional, and spatial information, amino acid conservation, physicochemical variation, residue mobility, and thermodynamic stability) has been performed at Invitae for this missense variant, however the output from this modeling did not meet the statistical confidence thresholds required to predict the impact of this variant on SZT2 protein function. In summary, the available evidence is currently insufficient to determine the role of this variant in disease. Therefore, it has been classified as a Variant of Uncertain Significance.

NM_001365999.1(SZT2):c.10126G>A (p.Val3376Met)

Gene: SZT2 (SZT2 subunit of KICSTOR complex; plus strand). Cytogenetic location: 1p34.2.
Variant type: single nucleotide variant.
Coding change: c.10126G>A on transcript NM_001365999.1 (MANE Select); coding-DNA position 10126, G replaced by A.
Protein change: p.Val3376Met; replaces valine 3376 with methionine.
Molecular consequence: missense variant.
Genome position (GRCh38, 1-based): chr1:43,450,142, G>A. VCF-style: chr1-43450142-G-A. GRCh37 (hg19) VCF-style: chr1-43915813-G-A.
Other names: c.9955G>A, p.Val3319Met (NM_015284.4); short protein forms V3376M, V3319M.
Identifiers: ClinVar variation 850901 (VCV000850901.8), dbSNP rs764859789, ClinGen allele CA21654925.
Genomic context (GRCh38, chr1:43,450,142, plus strand): 5'-CCTCCTCATCTTTCACTGCAGGTTGTGCTGAATCAGAAGTTCACTGACTGCTTTGTGCTA[G>A]TGTTTCTGGACTCCCACTTAGGAAAGACGGTAAGAACGAGTGGGGGGCTTTGTGTCAGCC-3'
Protein context (NP_001352928.1, residues 3366-3386): NQKFTDCFVL[Val3376Met]FLDSHLGKTS